The following is an entry in ClinVar:

ClinVar aggregate classification (germline): Uncertain significance (1 of 4 stars; one submission).

Conditions:
Baller-Gerold syndrome (BGS). Also called: CRANIOSYNOSTOSIS WITH RADIAL DEFECTS. Identifiers: Orphanet 1225, MedGen C0265308, MONDO:0009039, OMIM 218600.

gnomAD v4.1: 1 of 1,569,922 alleles (0.000064%); highest among the groups gnomAD compares: Non-Finnish European, 0.000086%; no homozygotes.

Submission:

Labcorp Genetics (formerly Invitae), Labcorp
Classification: Uncertain significance for Baller-Gerold syndrome. Last evaluated: 2023-09-19. Review status: criteria provided, single submitter. Criteria: Invitae Variant Classification Sherloc (09022015). Collection method: clinical testing. Allele origin: germline.
Comment: Advanced modeling of protein sequence and biophysical properties (such as structural, functional, and spatial information, amino acid conservation, physicochemical variation, residue mobility, and thermodynamic stability) has been performed at Invitae for this missense variant, however the output from this modeling did not meet the statistical confidence thresholds required to predict the impact of this variant on RECQL4 protein function. In summary, the available evidence is currently insufficient to determine the role of this variant in disease. Therefore, it has been classified as a Variant of Uncertain Significance. This variant has not been reported in the literature in individuals affected with RECQL4-related conditions. This variant is not present in population databases (gnomAD no frequency). This sequence change replaces glutamic acid, which is acidic and polar, with valine, which is neutral and non-polar, at codon 660 of the RECQL4 protein (p.Glu660Val).

NM_004260.4(RECQL4):c.1979A>T (p.Glu660Val)

Gene: RECQL4 (RecQ like helicase 4; minus strand). Cytogenetic location: 8q24.3.
Variant type: single nucleotide variant.
Coding change: c.1979A>T on transcript NM_004260.4 (MANE Select); coding-DNA position 1979, A replaced by T.
Protein change: p.Glu660Val; replaces glutamic acid 660 with valine.
Molecular consequence: missense variant. On other transcripts: non-coding transcript variant (3).
Genome position (GRCh38, 1-based): chr8:144,514,007, T>A on the plus strand (A>T on the coding strand, the complement: RECQL4 is on the minus strand). VCF-style: chr8-144514007-T-A. GRCh37 (hg19) VCF-style: chr8-145739391-T-A.
Other names: c.512A>T, p.Glu171Val (NM_001413043.1); c.1883A>T, p.Glu628Val (NM_001413017.1, NM_001413020.1); c.1979A>T, p.Glu660Val (NM_001413018.1, NM_001413019.1, NM_001413036.1); c.908A>T, p.Glu303Val (NM_001413021.1, NM_001413022.1, NM_001413023.1 and 6 more transcripts); c.1850A>T, p.Glu617Val (NM_001413025.1); c.842A>T, p.Glu281Val (NM_001413027.1, NM_001413030.1, NM_001413032.1 and 1 more transcripts); c.1628A>T, p.Glu543Val (NM_001413029.1); c.710A>T, p.Glu237Val (NM_001413031.1); and 4 more; short protein forms E237V, E281V, E293V, E303V, E650V, E543V, E617V, E660V.
Identifiers: ClinVar variation 2761854 (VCV002761854.3), dbSNP rs762667669, ClinGen allele CA372680378.